The following is an entry in ClinVar:

ClinVar aggregate classification (germline): Benign/Likely benign. Review status: criteria provided, multiple submitters, no conflicts (2 of 4 stars). 6 submissions from 6 submitters: Benign (2); Likely benign (3). 1 of the submissions does not count toward it. Last evaluated 2026-01-28.

Conditions:
Dyskeratosis congenita, autosomal recessive 5 (DKCB5). Identifiers: MedGen C3554656, MONDO:0014076, OMIM 615190.
Pulmonary fibrosis and/or bone marrow failure, Telomere-related, 3. Also called: PULMONARY FIBROSIS AND/OR BONE MARROW FAILURE SYNDROME, TELOMERE-RELATED, 3. Identifiers: Orphanet 2032, MedGen C4225346, MONDO:0014613, OMIM 616373.
Dyskeratosis congenita. Identifiers: Orphanet 1775, MedGen C0265965, MONDO:0015780.

Allele frequency attached by ClinVar (database versions not stated): 1000 Genomes Project 30x 0.00016; 1000 Genomes Project 0.00020; gnomAD exomes 0.00027 and 0.00056; gnomAD 0.00030 and 0.00031; TOPMed 0.00034; ExAC 0.00053; ESP Exome Variant Server 0.00054.
gnomAD v4.1: 479 of 1,612,696 alleles (0.03%); highest among the groups gnomAD compares: Middle Eastern, 0.033%; 3 homozygotes.

Submissions (6):

Labcorp Genetics (formerly Invitae), Labcorp
Classification: Benign for Dyskeratosis congenita, autosomal recessive 5; Pulmonary fibrosis and/or bone marrow failure, Telomere-related, 3. Last evaluated: 2026-01-28. Review status: criteria provided, single submitter. Criteria: Invitae Variant Classification Sherloc (09022015). Collection method: clinical testing. Allele origin: germline.

Blueprint Genetics
Classification: Likely benign. Last evaluated: 2024-09-18. Review status: criteria provided, single submitter. Criteria: ACMG Guidelines, 2015. Collection method: clinical testing. Allele origin: germline.

Fulgent Genetics
Classification: Likely benign for Dyskeratosis congenita, autosomal recessive 5; Pulmonary fibrosis and/or bone marrow failure, Telomere-related, 3. Last evaluated: 2024-02-22. Review status: criteria provided, single submitter. Criteria: ACMG Guidelines, 2015. Collection method: clinical testing. Allele origin: germline.

CeGaT Center for Human Genetics Tuebingen
Classification: Likely benign. Last evaluated: 2023-08-01. Review status: criteria provided, single submitter. Criteria: CeGaT Center For Human Genetics Tuebingen Variant Classification Criteria Version 2. Collection method: clinical testing. Allele origin: germline. Affected: yes. Observed: 1 variant allele.
Comment: RTEL1: BS2; RTEL1-TNFRSF6B: BS2

Sema4
Classification: Benign for Dyskeratosis congenita. Last evaluated: 2021-04-04. Review status: criteria provided, single submitter. Criteria: Sema4 Curation Guidelines. Collection method: curation. Allele origin: germline.

Natera, Inc.
Classification: Benign for Dyskeratosis congenita. Last evaluated: 2020-01-09. Review status: no assertion criteria provided. Collection method: clinical testing. Allele origin: germline. Not counted in ClinVar's aggregate classification.

NM_001283009.2(RTEL1):c.1018G>A (p.Gly340Ser)

Genes: RTEL1 (regulator of telomere elongation helicase 1; plus strand), RTEL1-TNFRSF6B (RTEL1-TNFRSF6B readthrough (NMD candidate); plus strand). Cytogenetic location: 20q13.33.
Variant type: single nucleotide variant.
Coding change: c.1018G>A on transcript NM_001283009.2 (MANE Select); coding-DNA position 1018, G replaced by A.
Protein change: p.Gly340Ser; replaces glycine 340 with serine.
Molecular consequence: missense variant. On other transcripts: non-coding transcript variant (1).
Genome position (GRCh38, 1-based): chr20:63,678,327, G>A. VCF-style: chr20-63678327-G-A. GRCh37 (hg19) VCF-style: chr20-62309680-G-A.
Other names: c.349G>A, p.Gly117Ser (NM_001283010.1); c.1018G>A, p.Gly340Ser (NM_016434.4); c.1090G>A, p.Gly364Ser (NM_032957.5); short protein forms G340S, G117S, G364S.
Identifiers: ClinVar variation 711514 (VCV000711514.39), dbSNP rs145845927, ClinGen allele CA9964562.
Genomic context (GRCh38, chr20:63,678,327, plus strand): 5'-GTGATCCTGCTGCGCCTGGAGGGGGCCATCGATGCTGTTGAGCTGCCTGGAGACGACAGC[G>A]GTGTCACCAAGCCAGGGAGGTGAGAGGCGGGGAGCCAGCCCCTTCACTGCAGGCCCAGCC-3'
Protein context (NP_001269938.1, residues 330-350): DAVELPGDDS[Gly340Ser]VTKPGSYIFE